The following is an entry in ClinVar:

NM_006662.3(SRCAP):c.767C>T (p.Thr256Ile)

Gene: SRCAP (Snf2 related CREBBP activator protein; plus strand). Cytogenetic location: 16p11.2.
Variant type: single nucleotide variant.
Coding change: c.767C>T on transcript NM_006662.3 (MANE Select); coding-DNA position 767, C replaced by T.
Protein change: p.Thr256Ile; replaces threonine 256 with isoleucine.
Molecular consequence: missense variant.
Genome position (GRCh38, 1-based): chr16:30,709,646, C>T. VCF-style: chr16-30709646-C-T. GRCh37 (hg19) VCF-style: chr16-30720967-C-T.
Other names: short protein forms T256I.
Identifiers: ClinVar variation 3643114 (VCV003643114.2).

ClinVar aggregate classification (germline): Uncertain significance (1 of 4 stars; one submission).

gnomAD v4.1: 4 of 1,614,200 alleles (0.00025%); highest among the groups gnomAD compares: African/African-American, 0.0027%; no homozygotes.

Submission:

Labcorp Genetics (formerly Invitae), Labcorp
Classification: Uncertain significance. Last evaluated: 2025-11-03. Review status: criteria provided, single submitter. Criteria: Invitae Variant Classification Sherloc (09022015). Collection method: clinical testing. Allele origin: germline.
Comment: This sequence change replaces threonine, which is neutral and polar, with isoleucine, which is neutral and non-polar, at codon 256 of the SRCAP protein (p.Thr256Ile). This variant is present in population databases (no rsID available, gnomAD 0.007%). This variant has not been reported in the literature in individuals affected with SRCAP-related conditions. ClinVar contains an entry for this variant (Variation ID: 3643114). Invitae Evidence Modeling of protein sequence and biophysical properties (such as structural, functional, and spatial information, amino acid conservation, physicochemical variation, residue mobility, and thermodynamic stability) indicates that this missense variant is not expected to disrupt SRCAP protein function with a negative predictive value of 80%. In summary, the available evidence is currently insufficient to determine the role of this variant in disease. Therefore, it has been classified as a Variant of Uncertain Significance.